The following is an entry in ClinVar:

ClinVar aggregate classification (germline): Uncertain significance (1 of 4 stars; one submission).

Conditions:
Inborn genetic diseases. Identifiers: MedGen C0950123, MeSH D030342.

Submission:

Ambry Genetics
Classification: Uncertain significance for Inborn genetic diseases. Last evaluated: 2025-02-08. Review status: criteria provided, single submitter. Criteria: Ambry Variant Classification Scheme 2023. Collection method: clinical testing. Allele origin: germline.
Comment: The p.K480N variant (also known as c.1440A>C), located in coding exon 13 of the KDM1A gene, results from an A to C substitution at nucleotide position 1440. The lysine at codon 480 is replaced by asparagine, an amino acid with similar properties. This amino acid position is conserved. In addition, this alteration is predicted to be tolerated by in silico analysis. Based on the available evidence, the clinical significance of this variant remains unclear.

NM_001009999.3(KDM1A):c.1440A>C (p.Lys480Asn)

Gene: KDM1A (lysine demethylase 1A; plus strand). Cytogenetic location: 1p36.12.
Variant type: single nucleotide variant.
Coding change: c.1440A>C on transcript NM_001009999.3 (MANE Select); coding-DNA position 1440, A replaced by C.
Protein change: p.Lys480Asn; replaces lysine 480 with asparagine.
Molecular consequence: missense variant.
Genome position (GRCh38, 1-based): chr1:23,071,251, A>C. VCF-style: chr1-23071251-A-C. GRCh37 (hg19) VCF-style: chr1-23397744-A-C.
Other names: c.1368A>C, p.Lys456Asn (NM_001363654.2, NM_001410763.1, NM_015013.4); c.1428A>C, p.Lys476Asn (NM_001410762.1); short protein forms K480N, K456N, K476N.
Identifiers: ClinVar variation 3863316 (VCV003863316.1).